The following is an entry in ClinVar:

ClinVar aggregate classification (germline): Uncertain significance (1 of 4 stars; one submission).

Conditions:
Familial adenomatous polyposis 1 (FAP1). Also called: FAMILIAL ADENOMATOUS POLYPOSIS 1, ATTENUATED; POLYPOSIS, ADENOMATOUS INTESTINAL. Identifiers: MedGen C2713442, MONDO:0021056, OMIM 175100. Disease mechanism: loss of function.

Submission:

Labcorp Genetics (formerly Invitae), Labcorp
Classification: Uncertain significance for Familial adenomatous polyposis 1. Last evaluated: 2021-05-26. Review status: criteria provided, single submitter. Criteria: Invitae Variant Classification Sherloc (09022015). Collection method: clinical testing. Allele origin: germline.
Comment: This sequence change replaces threonine with asparagine at codon 1705 of the APC protein (p.Thr1705Asn). The threonine residue is weakly conserved and there is a small physicochemical difference between threonine and asparagine. This variant is not present in population databases (ExAC no frequency). This variant has not been reported in the literature in individuals with APC-related conditions. Algorithms developed to predict the effect of missense changes on protein structure and function output the following: SIFT: "Tolerated"; PolyPhen-2: "Benign"; Align-GVGD: "Class C0". The asparagine amino acid residue is found in multiple mammalian species, suggesting that this missense change does not adversely affect protein function. These predictions have not been confirmed by published functional studies and their clinical significance is uncertain. In summary, the available evidence is currently insufficient to determine the role of this variant in disease. Therefore, it has been classified as a Variant of Uncertain Significance.

NM_000038.6(APC):c.5114C>A (p.Thr1705Asn)

Gene: APC (APC regulator of Wnt signaling pathway; plus strand). Cytogenetic location: 5q22.2.
Variant type: single nucleotide variant.
Coding change: c.5114C>A on transcript NM_000038.6 (MANE Select); coding-DNA position 5114, C replaced by A.
Protein change: p.Thr1705Asn; replaces threonine 1705 with asparagine.
Molecular consequence: missense variant.
Genome position (GRCh38, 1-based): chr5:112,840,708, C>A. VCF-style: chr5-112840708-C-A. GRCh37 (hg19) VCF-style: chr5-112176405-C-A.
Other names: c.5114C>A, p.Thr1705Asn (NM_001127510.3, NM_001354895.2); c.5060C>A, p.Thr1687Asn (NM_001127511.3); c.5168C>A, p.Thr1723Asn (NM_001354896.2); c.5144C>A, p.Thr1715Asn (NM_001354897.2); c.5039C>A, p.Thr1680Asn (NM_001354898.2); c.5030C>A, p.Thr1677Asn (NM_001354899.2); c.4991C>A, p.Thr1664Asn (NM_001354900.2); c.4937C>A, p.Thr1646Asn (NM_001354901.2); and 5 more; short protein forms T1545N, T1579N, T1680N, T1715N, T1422N, T1604N, T1664N, T1687N.
Identifiers: ClinVar variation 1395242 (VCV001395242.8), dbSNP rs876659109, ClinGen allele CA16032510.